The following is an entry in ClinVar:

NM_001276270.2(MBD4):c.637C>T (p.Leu213Phe)

Gene: MBD4 (methyl-CpG binding domain 4, DNA glycosylase; minus strand). Cytogenetic location: 3q21.3.
Variant type: single nucleotide variant.
Coding change: c.637C>T on transcript NM_001276270.2 (MANE Select); coding-DNA position 637, C replaced by T.
Protein change: p.Leu213Phe; replaces leucine 213 with phenylalanine.
Molecular consequence: missense variant. On other transcripts: intron variant (1).
Genome position (GRCh38, 1-based): chr3:129,437,007, G>A on the plus strand (C>T on the coding strand, the complement: MBD4 is on the minus strand). VCF-style: chr3-129437007-G-A. GRCh37 (hg19) VCF-style: chr3-129155850-G-A.
Other names: c.637C>T, p.Leu213Phe (NM_001276271.2, NM_001276272.2, NM_003925.3); c.247+801C>T (NM_001276273.2); short protein forms L213F.
Identifiers: ClinVar variation 4844109 (VCV004844109.1).

ClinVar aggregate classification (germline): Uncertain significance (1 of 4 stars; one submission).

Conditions:
Inborn genetic diseases. Identifiers: MedGen C0950123, MeSH D030342.

gnomAD v4.1: 1 of 1,614,094 alleles (0.000062%); no homozygotes.

Submission:

Ambry Genetics
Classification: Uncertain significance for Inborn genetic diseases. Last evaluated: 2026-01-03. Review status: criteria provided, single submitter. Criteria: Ambry Variant Classification Scheme 2023. Collection method: clinical testing. Allele origin: germline.
Comment: The p.L213F variant (also known as c.637C>T), located in coding exon 3 of the MBD4 gene, results from a C to T substitution at nucleotide position 637. The leucine at codon 213 is replaced by phenylalanine, an amino acid with highly similar properties. This amino acid position is conserved. In addition, this alteration is predicted to be tolerated by in silico analysis. Based on the available evidence, the clinical significance of this variant remains unclear.